The following is an entry in ClinVar:

ClinVar aggregate classification (germline): Benign/Likely benign. Review status: criteria provided, multiple submitters, no conflicts (2 of 4 stars). 3 submissions from 3 submitters: Benign (1); Likely benign (2). Last evaluated 2026-07-01.

Allele frequency attached by ClinVar (database versions not stated): gnomAD 0.00010; TOPMed 0.00014; gnomAD exomes 0.00037 and 0.00007; ExAC 0.00044.
gnomAD v4.1: 132 of 1,613,844 alleles (0.0082%); highest among the groups gnomAD compares: East Asian, 0.18%; no homozygotes.

Submissions (3):

CeGaT Center for Human Genetics Tuebingen
Classification: Likely benign. Last evaluated: 2026-07-01. Review status: criteria provided, single submitter. Criteria: CeGaT Center For Human Genetics Tuebingen Variant Classification Criteria Version 2. Collection method: clinical testing. Allele origin: germline. Affected: yes. Observed: 1 variant allele.
Comment: ARCN1: BP4, BP7

Labcorp Genetics (formerly Invitae), Labcorp
Classification: Benign. Last evaluated: 2026-01-24. Review status: criteria provided, single submitter. Criteria: Invitae Variant Classification Sherloc (09022015). Collection method: clinical testing. Allele origin: germline.

Blueprint Genetics
Classification: Likely benign. Last evaluated: 2021-10-05. Review status: criteria provided, single submitter. Criteria: ACMG Guidelines, 2015. Collection method: clinical testing. Allele origin: germline.

NM_001655.5(ARCN1):c.867C>T (p.Asp289=)

Gene: ARCN1 (archain 1 coat protein complex I subunit delta; plus strand). Cytogenetic location: 11q23.3.
Variant type: single nucleotide variant.
Coding change: c.867C>T on transcript NM_001655.5 (MANE Select); coding-DNA position 867, C replaced by T.
Protein change: p.Asp289=; no amino-acid change (aspartic acid 289 retained).
Molecular consequence: synonymous variant.
Genome position (GRCh38, 1-based): chr11:118,590,389, C>T. VCF-style: chr11-118590389-C-T. GRCh37 (hg19) VCF-style: chr11-118461104-C-T.
Other names: c.603C>T, p.Asp201= (NM_001142281.2).
Identifiers: ClinVar variation 731837 (VCV000731837.11), dbSNP rs371011063, ClinGen allele CA6306163.